The following is an entry in ClinVar:

NM_005611.4(RBL2):c.1294A>G (p.Met432Val)

Gene: RBL2 (RB transcriptional corepressor like 2; plus strand). Cytogenetic location: 16q12.2.
Variant type: single nucleotide variant.
Coding change: c.1294A>G on transcript NM_005611.4 (MANE Select); coding-DNA position 1294, A replaced by G.
Protein change: p.Met432Val; replaces methionine 432 with valine.
Molecular consequence: missense variant.
Genome position (GRCh38, 1-based): chr16:53,459,565, A>G. VCF-style: chr16-53459565-A-G. GRCh37 (hg19) VCF-style: chr16-53493477-A-G.
Other names: c.1294A>G, p.Met432Val (NM_001323608.2, NM_001323609.2, NM_001323610.2); c.1072A>G, p.Met358Val (NM_001323611.1); short protein forms M358V, M432V.
Identifiers: ClinVar variation 4883293 (VCV004883293.2).

ClinVar aggregate classification (germline): Uncertain significance (1 of 4 stars; one submission).

Submission:

Dasa
Classification: Uncertain significance. Last evaluated: 2024-12-16. Review status: criteria provided, single submitter. Criteria: DASA Assertion Criteria. Collection method: clinical testing. Allele origin: germline.
Comment: NM_005611.4(RBL2):c.1294A>G (p.Met432Val) is a missense variant that results in the substitution of methionine with valine. This variant is rare in population databases. Computational prediction algorithms are consistent with a benign effect. The currently available literature and clinical evidence are not sufficient to establish a definitive association between this variant and the reported condition. Therefore, this variant is classified as a variant of uncertain significance.